The following is an entry in ClinVar:

ClinVar aggregate classification (germline): Conflicting classifications of pathogenicity. Review status: criteria provided, conflicting classifications (1 of 4 stars). 2 submissions from 2 submitters: Uncertain significance (1); Likely benign (1). Last evaluated 2025-12-03.

Conditions:
Age related macular degeneration 9. Identifiers: MedGen C1969651, MONDO:0012659, OMIM 611378.
Atypical hemolytic-uremic syndrome with C3 anomaly. Also called: AHUS, SUSCEPTIBILITY TO, 5. Identifiers: Orphanet 2134, MedGen C2752037, MONDO:0013043, OMIM 612925.
Complement component 3 deficiency. Identifiers: Orphanet 280133, MedGen C3151071, MONDO:0013417, OMIM 613779.

Allele frequency attached by ClinVar (database versions not stated): gnomAD exomes 0.00002; ExAC 0.00005; ESP Exome Variant Server 0.00015; 1000 Genomes Project 0.00020; gnomAD 0.00020; TOPMed 0.00027; 1000 Genomes Project 30x 0.00031.
gnomAD v4.1: 62 of 1,603,252 alleles (0.0039%); highest among the groups gnomAD compares: African/African-American, 0.082%; no homozygotes.

Submissions (2):

Labcorp Genetics (formerly Invitae), Labcorp
Classification: Likely benign. Last evaluated: 2025-12-03. Review status: criteria provided, single submitter. Criteria: Invitae Variant Classification Sherloc (09022015). Collection method: clinical testing. Allele origin: germline.

Center for Genomics, Ann and Robert H. Lurie Children's Hospital of Chicago
Classification: Uncertain significance for Complement component 3 deficiency; Atypical hemolytic-uremic syndrome with C3 anomaly; Age related macular degeneration 9. Review status: criteria provided, single submitter. Criteria: ACMG Guidelines, 2015. Collection method: clinical testing. Allele origin: germline.
Comment: This variant has not been reported in the literature but is present in the Genome Aggregation Database (Highest reported MAF 0.07% (28/38864). Evolutionary conservation and computational predictive tools for this variant are limited or unavailable. Of note, this variant is a silent variant and does not change the amino acid, reducing the probability that this variant is disease causing. In summary, data on this variant is insufficient for disease classification. Therefore, the clinical significance of this variant is uncertain.

NM_000064.4(C3):c.4947C>T (p.Leu1649=)

Gene: C3 (complement C3; minus strand). Cytogenetic location: 19p13.3.
Variant type: single nucleotide variant.
Coding change: c.4947C>T on transcript NM_000064.4 (MANE Select); coding-DNA position 4947, C replaced by T.
Protein change: p.Leu1649=; no amino-acid change (leucine 1649 retained).
Molecular consequence: synonymous variant.
Genome position (GRCh38, 1-based): chr19:6,677,927, G>A on the plus strand (C>T on the coding strand, the complement: C3 is on the minus strand). VCF-style: chr19-6677927-G-A. GRCh37 (hg19) VCF-style: chr19-6677938-G-A.
Identifiers: ClinVar variation 2069494 (VCV002069494.6), dbSNP rs377762182, ClinGen allele CA9128194.